The following is an entry in ClinVar:

NM_001961.4(EEF2):c.1592A>C (p.Asp531Ala)

Gene: EEF2 (eukaryotic translation elongation factor 2; minus strand). Cytogenetic location: 19p13.3.
Variant type: single nucleotide variant.
Coding change: c.1592A>C on transcript NM_001961.4 (MANE Select); coding-DNA position 1592, A replaced by C.
Protein change: p.Asp531Ala; replaces aspartic acid 531 with alanine.
Molecular consequence: missense variant.
Genome position (GRCh38, 1-based): chr19:3,979,821, T>G on the plus strand (A>C on the coding strand, the complement: EEF2 is on the minus strand). VCF-style: chr19-3979821-T-G. GRCh37 (hg19) VCF-style: chr19-3979819-T-G.
Other names: short protein forms D531A.
Identifiers: ClinVar variation 4246759 (VCV004246759.2).

ClinVar aggregate classification (germline): Likely pathogenic (1 of 4 stars; one submission).

Submission:

Ambry Genetics
Classification: Likely pathogenic. Last evaluated: 2025-10-08. Review status: criteria provided, single submitter. Criteria: Ambry Variant Classification Scheme 2023. Collection method: clinical testing. Allele origin: germline.
Comment: The c.1592A>C (p.D531A) alteration is located in exon 10 (coding exon 10) of the EEF2 gene. This alteration results from a A to C substitution at nucleotide position 1592, causing the aspartic acid (D) at amino acid position 531 to be replaced by an alanine (A). This variant was not reported in population-based cohorts in the Genome Aggregation Database (gnomAD). This amino acid position is highly conserved in available vertebrate species. This alteration is predicted to be deleterious by in silico analysis. Based on the available evidence, this alteration is classified as likely pathogenic.